The following is an entry in ClinVar:

NM_144639.3(UROC1):c.606C>T (p.Tyr202=)

Gene: UROC1 (urocanate hydratase 1; minus strand). Cytogenetic location: 3q21.3.
Variant type: single nucleotide variant.
Coding change: c.606C>T on transcript NM_144639.3 (MANE Select); coding-DNA position 606, C replaced by T.
Protein change: p.Tyr202=; no amino-acid change (tyrosine 202 retained).
Molecular consequence: synonymous variant.
Genome position (GRCh38, 1-based): chr3:126,506,008, G>A on the plus strand (C>T on the coding strand, the complement: UROC1 is on the minus strand). VCF-style: chr3-126506008-G-A. GRCh37 (hg19) VCF-style: chr3-126224851-G-A.
Other names: c.606C>T, p.Tyr202= (NM_001165974.2).
Identifiers: ClinVar variation 772864 (VCV000772864.36), dbSNP rs149096963, ClinGen allele CA2591463.

ClinVar aggregate classification (germline): Benign/Likely benign. Review status: criteria provided, multiple submitters, no conflicts (2 of 4 stars). 3 submissions from 3 submitters: Benign (2); Likely benign (1). Last evaluated 2025-07-01.

Allele frequency attached by ClinVar (database versions not stated): 1000 Genomes Project 30x 0.00297; 1000 Genomes Project 0.00300; gnomAD 0.00462 and 0.00463; ESP Exome Variant Server 0.00477; TOPMed 0.00482; gnomAD exomes 0.00536 and 0.00570; ExAC 0.00572.
gnomAD v4.1: 9,118 of 1,613,372 alleles (0.57%); highest among the groups gnomAD compares: Middle Eastern, 1.3%; 30 homozygotes.

Submissions (3):

CeGaT Center for Human Genetics Tuebingen
Classification: Likely benign. Last evaluated: 2025-07-01. Review status: criteria provided, single submitter. Criteria: CeGaT Center For Human Genetics Tuebingen Variant Classification Criteria Version 2. Collection method: clinical testing. Allele origin: germline. Affected: yes. Observed: 8 variant alleles.
Comment: UROC1: BP4, BP7, BS2

Labcorp Genetics (formerly Invitae), Labcorp
Classification: Benign. Last evaluated: 2019-12-31. Review status: criteria provided, single submitter. Criteria: Invitae Variant Classification Sherloc (09022015). Collection method: clinical testing. Allele origin: germline.

Breakthrough Genomics
Classification: Benign. Review status: criteria provided, single submitter. Criteria: ACMG Guidelines, 2015. Collection method: not provided. Allele origin: germline. Inheritance: Autosomal recessive inheritance. Affected: yes.